The following is an entry in ClinVar:

ClinVar aggregate classification (germline): Uncertain significance (1 of 4 stars; one submission).

Conditions:
Hereditary cancer-predisposing syndrome. Also called: Neoplastic Syndromes, Hereditary; Tumor predisposition; Hereditary neoplastic syndrome; Hereditary Cancer Syndrome. Identifiers: Orphanet 140162, MedGen C0027672, MeSH D009386, MONDO:0015356.
Cardiovascular phenotype. Identifiers: MedGen CN230736.

Submission:

Ambry Genetics
Classification: Uncertain significance for Cardiovascular phenotype; Hereditary cancer-predisposing syndrome. Last evaluated: 2023-11-10. Review status: criteria provided, single submitter. Criteria: Ambry Variant Classification Scheme 2023. Collection method: clinical testing. Allele origin: germline.
Comment: The c.1786G>T variant (also known as p.E596*), located in coding exon 16 of the LZTR1 gene, results from a G to T substitution at nucleotide position 1786. This changes the amino acid from a glutamic acid to a stop codon within coding exon 16. This nucleotide position is highly conserved in available vertebrate species. In silico splice site analysis predicts that this alteration will result in the creation or strengthening of a novel splice acceptor site. RNA studies have demonstrated that this alteration results in a transcript predicted to lead to a protein with an in-frame deletion of one amino acid instead of a premature stop codon; however, the exact functional impact of the deleted amino acid is unknown at this time (Ambry internal data). Since supporting evidence is limited at this time, the clinical significance of this alteration remains unclear.

NM_006767.4(LZTR1):c.1786G>T (p.Glu596Ter)

Gene: LZTR1 (leucine zipper like post translational regulator 1; plus strand). Cytogenetic location: 22q11.21.
Variant type: single nucleotide variant.
Coding change: c.1786G>T on transcript NM_006767.4 (MANE Select); coding-DNA position 1786, G replaced by T.
Protein change: p.Glu596Ter; replaces glutamic acid 596 with a stop codon.
Molecular consequence: nonsense.
Genome position (GRCh38, 1-based): chr22:20,994,870, G>T. VCF-style: chr22-20994870-G-T. GRCh37 (hg19) VCF-style: chr22-21349159-G-T.
Other names: short protein forms E596*.
Identifiers: ClinVar variation 3238133 (VCV003238133.1), dbSNP rs1035245166.